The following is an entry in ClinVar:

NM_000755.5(CRAT):c.350A>T (p.Tyr117Phe)

Gene: CRAT (carnitine O-acetyltransferase; minus strand). Cytogenetic location: 9q34.11.
Variant type: single nucleotide variant.
Coding change: c.350A>T on transcript NM_000755.5 (MANE Select); coding-DNA position 350, A replaced by T.
Protein change: p.Tyr117Phe; replaces tyrosine 117 with phenylalanine.
Molecular consequence: missense variant.
Genome position (GRCh38, 1-based): chr9:129,104,248, T>A on the plus strand (A>T on the coding strand, the complement: CRAT is on the minus strand). VCF-style: chr9-129104248-T-A. GRCh37 (hg19) VCF-style: chr9-131866527-T-A.
Other names: c.287A>T, p.Tyr96Phe (NM_001257363.3, NM_001346548.2, NM_004003.4); c.353A>T, p.Tyr118Phe (NM_001346546.2); c.350A>T, p.Tyr117Phe (NM_001346547.2); c.230A>T, p.Tyr77Phe (NM_001346549.2); c.350A>T (NM_000755.3); short protein forms Y118F, Y117F, Y77F, Y96F.
Identifiers: ClinVar variation 1503952 (VCV001503952.12), dbSNP rs138099517, ClinGen allele CA5275793.

ClinVar aggregate classification (germline): Uncertain significance. Review status: criteria provided, multiple submitters, no conflicts (2 of 4 stars). 4 submissions from 4 submitters: Uncertain significance (4). Last evaluated 2026-01-26.

Conditions:
Neurodegeneration with brain iron accumulation 8. Identifiers: MedGen C4693587, MONDO:0054764, OMIM 617917.

Allele frequency attached by ClinVar (database versions not stated): gnomAD exomes 0.00023 and 0.00039; ExAC 0.00051; ESP Exome Variant Server 0.00008; gnomAD 0.00009 and 0.00014; TOPMed 0.00011; 1000 Genomes Project 30x 0.00016; 1000 Genomes Project 0.00020.
gnomAD v4.1: 354 of 1,613,298 alleles (0.022%); highest among the groups gnomAD compares: South Asian, 0.21%; 3 homozygotes.

Submissions (5):

Labcorp Genetics (formerly Invitae), Labcorp
Classification: Uncertain significance. Last evaluated: 2026-01-26. Review status: criteria provided, single submitter. Criteria: Invitae Variant Classification Sherloc (09022015). Collection method: clinical testing. Allele origin: germline.
Comment: This sequence change replaces tyrosine, which is neutral and polar, with phenylalanine, which is neutral and non-polar, at codon 117 of the CRAT protein (p.Tyr117Phe). The frequency data for this variant in the population databases is considered unreliable, as metrics indicate poor data quality at this position in the gnomAD database. This variant has not been reported in the literature in individuals affected with CRAT-related conditions. ClinVar contains an entry for this variant (Variation ID: 1503952). Invitae Evidence Modeling of protein sequence and biophysical properties (such as structural, functional, and spatial information, amino acid conservation, physicochemical variation, residue mobility, and thermodynamic stability) indicates that this missense variant is not expected to disrupt CRAT protein function with a negative predictive value of 80%. In summary, the available evidence is currently insufficient to determine the role of this variant in disease. Therefore, it has been classified as a Variant of Uncertain Significance.

Ambry Genetics
Classification: Uncertain significance. Last evaluated: 2025-02-12. Review status: criteria provided, single submitter. Criteria: Ambry Variant Classification Scheme 2023. Collection method: clinical testing. Allele origin: germline.

Breakthrough Genomics
Classification: Uncertain significance. Review status: criteria provided, single submitter. Criteria: ACMG Guidelines, 2015. Collection method: not provided. Allele origin: germline. Inheritance: Autosomal recessive inheritance. Affected: yes.

Neuberg Centre For Genomic Medicine, NCGM
Classification: Uncertain significance for Neurodegeneration with brain iron accumulation 8. Review status: criteria provided, single submitter. Criteria: ACMG Guidelines, 2015. Collection method: clinical testing. Allele origin: germline. Inheritance: Autosomal recessive inheritance. Affected: yes.
Comment: The missense c.350A>T p.Tyr117Phe variant in CRAT gene has not been reported previously as a pathogenic variant nor as a benign variant, to our knowledge. The p.Tyr117Phe variant is present with allele frequency of 0.04% in gnomAD Exomes. This variant has been submitted to the ClinVar database as Uncertain Significance. Multiple lines of computational evidence Polyphen - Benign, SIFT - Tolerated and MutationTaster - Polymorphism predict no damaging effect on protein structure and function for this variant. The reference amino acid at this position on CRAT is predicted as conserved by PhyloP across 100 vertebrates. The amino acid Tyr at position 117 is changed to a Phe changing protein sequence and it might alter its composition and physico-chemical properties. For these reasons, this variant has been classified as a Variant of Uncertain Significance VUS.

Dr. Peter K. Rogan Lab, Western University
No classification provided (evidence only). Condition: Melanoma. Review status: no classification provided. Collection method: in vitro. Allele origin: not applicable. Functional consequence: skipped exon, retained intron. Not counted in ClinVar's aggregate classification.